The following is an entry in ClinVar:

ClinVar aggregate classification (germline): Conflicting classifications of pathogenicity. Review status: criteria provided, conflicting classifications (1 of 4 stars). 2 submissions from 2 submitters: Uncertain significance (1); Likely benign (1). Last evaluated 2024-11-15.

Conditions:
Inborn genetic diseases. Identifiers: MedGen C0950123, MeSH D030342.
Platelet-type bleeding disorder 9 (BDPLT9). Also called: GLYCOPROTEIN Ia DEFICIENCY; GP Ia DEFICIENCY; COLLAGEN PLATELET RECEPTOR DEFICIENCY. Identifiers: Orphanet 73271, Orphanet 98886, MedGen C3280114, MONDO:0013622, OMIM 614200.

Allele frequency attached by ClinVar (database versions not stated): ExAC 0.00006; gnomAD 0.00007 and 0.00008; ESP Exome Variant Server 0.00008; TOPMed 0.00010.
gnomAD v4.1: 273 of 1,612,262 alleles (0.017%); highest among the groups gnomAD compares: Non-Finnish European, 0.022%; no homozygotes.

Submissions (3):

Ambry Genetics
Classification: Uncertain significance for Inborn genetic diseases. Last evaluated: 2024-11-15. Review status: criteria provided, single submitter. Criteria: Ambry Variant Classification Scheme 2023. Collection method: clinical testing. Allele origin: germline.

Illumina Laboratory Services, Illumina
Classification: Likely benign for Platelet-type bleeding disorder 9. Last evaluated: 2018-01-12. Review status: criteria provided, single submitter. Criteria: ICSL Variant Classification Criteria 13 December 2019. Collection method: clinical testing. Allele origin: germline.
Comment: This variant was observed in the ICSL laboratory as part of a predisposition screen in an ostensibly healthy population. It had not been previously curated by ICSL or reported in the Human Gene Mutation Database (HGMD: prior to June 1st, 2018), and was therefore a candidate for classification through an automated scoring system. Utilizing variant allele frequency, disease prevalence and penetrance estimates, and inheritance mode, an automated score was calculated to assess if this variant is too frequent to cause the disease. Based on the score and internal cut-off values, a variant classified as likely benign is not then subjected to further curation. The score for this variant resulted in a classification of likely benign for this disease.

Dr. Peter K. Rogan Lab, Western University
No classification provided (evidence only). Condition: Lung cancer. Review status: no classification provided. Collection method: in vitro. Allele origin: not applicable. Functional consequence: retained intron. Not counted in ClinVar's aggregate classification.

NM_002203.4(ITGA2):c.2485C>G (p.Leu829Val)

Gene: ITGA2 (integrin subunit alpha 2; plus strand). Cytogenetic location: 5q11.2.
Variant type: single nucleotide variant.
Coding change: c.2485C>G on transcript NM_002203.4 (MANE Select); coding-DNA position 2485, C replaced by G.
Protein change: p.Leu829Val; replaces leucine 829 with valine.
Molecular consequence: missense variant. On other transcripts: non-coding transcript variant (4).
Genome position (GRCh38, 1-based): chr5:53,073,173, C>G. VCF-style: chr5-53073173-C-G. GRCh37 (hg19) VCF-style: chr5-52369003-C-G.
Other names: NC_000005.9:g.52369003C>G; short protein forms L829V.
Identifiers: ClinVar variation 907936 (VCV000907936.8), dbSNP rs41441846, ClinGen allele CA3263209.